The following is an entry in ClinVar:

NM_018136.5(ASPM):c.4394A>G (p.Glu1465Gly)

Gene: ASPM (assembly factor for spindle microtubules; minus strand). Cytogenetic location: 1q31.3.
Variant type: single nucleotide variant.
Coding change: c.4394A>G on transcript NM_018136.5 (MANE Select); coding-DNA position 4394, A replaced by G.
Protein change: p.Glu1465Gly; replaces glutamic acid 1465 with glycine.
Molecular consequence: missense variant. On other transcripts: intron variant (1).
Genome position (GRCh38, 1-based): chr1:197,104,857, T>C on the plus strand (A>G on the coding strand, the complement: ASPM is on the minus strand). VCF-style: chr1-197104857-T-C. GRCh37 (hg19) VCF-style: chr1-197073987-T-C.
Other names: c.4066-8693A>G (NM_001206846.2); c.4394A>G (NM_018136.4); short protein forms E1465G.
Identifiers: ClinVar variation 1353275 (VCV001353275.9), dbSNP rs2125096686, ClinGen allele CA344030635.

ClinVar aggregate classification (germline): Uncertain significance. Review status: criteria provided, multiple submitters, no conflicts (2 of 4 stars). 2 submissions from 2 submitters: Uncertain significance (2). Last evaluated 2025-08-24.

Conditions:
Inborn genetic diseases. Identifiers: MedGen C0950123, MeSH D030342.

Allele frequency attached by ClinVar (database versions not stated): gnomAD exomes 0.00002.
gnomAD v4.1: 23 of 1,600,344 alleles (0.0014%); highest among the groups gnomAD compares: Non-Finnish European, 0.002%; no homozygotes.

Submissions (2):

Ambry Genetics
Classification: Uncertain significance for Inborn genetic diseases. Last evaluated: 2025-08-24. Review status: criteria provided, single submitter. Criteria: Ambry Variant Classification Scheme 2023. Collection method: clinical testing. Allele origin: germline.

Labcorp Genetics (formerly Invitae), Labcorp
Classification: Uncertain significance. Last evaluated: 2022-02-05. Review status: criteria provided, single submitter. Criteria: Invitae Variant Classification Sherloc (09022015). Collection method: clinical testing. Allele origin: germline.
Comment: This sequence change replaces glutamic acid, which is acidic and polar, with glycine, which is neutral and non-polar, at codon 1465 of the ASPM protein (p.Glu1465Gly). This variant is not present in population databases (gnomAD no frequency). In summary, the available evidence is currently insufficient to determine the role of this variant in disease. Therefore, it has been classified as a Variant of Uncertain Significance. Algorithms developed to predict the effect of missense changes on protein structure and function are either unavailable or do not agree on the potential impact of this missense change (SIFT: "Tolerated"; PolyPhen-2: "Probably Damaging"; Align-GVGD: "Class C0"). This variant has not been reported in the literature in individuals affected with ASPM-related conditions.